The following is an entry in ClinVar:

NM_000038.6(APC):c.7075T>C (p.Ser2359Pro)

Gene: APC (APC regulator of Wnt signaling pathway; plus strand). Cytogenetic location: 5q22.2.
Variant type: single nucleotide variant.
Coding change: c.7075T>C on transcript NM_000038.6 (MANE Select); coding-DNA position 7075, T replaced by C.
Protein change: p.Ser2359Pro; replaces serine 2359 with proline.
Molecular consequence: missense variant.
Genome position (GRCh38, 1-based): chr5:112,842,669, T>C. VCF-style: chr5-112842669-T-C. GRCh37 (hg19) VCF-style: chr5-112178366-T-C.
Other names: c.6697T>C, p.Ser2233Pro (NM_001354904.2); c.6595T>C, p.Ser2199Pro (NM_001354905.2); c.6226T>C, p.Ser2076Pro (NM_001354906.2); c.7075T>C, p.Ser2359Pro (NM_001127510.3, NM_001354895.2); c.7021T>C, p.Ser2341Pro (NM_001127511.3); c.7129T>C, p.Ser2377Pro (NM_001354896.2); c.7105T>C, p.Ser2369Pro (NM_001354897.2); c.7000T>C, p.Ser2334Pro (NM_001354898.2); and 5 more; short protein forms S2300P, S2318P, S2341P, S2331P, S2076P, S2199P, S2233P, S2334P.
Identifiers: ClinVar variation 1414293 (VCV001414293.6), dbSNP rs532244792, ClinGen allele CA16036746.

ClinVar aggregate classification (germline): Uncertain significance (1 of 4 stars; one submission).

Conditions:
Familial adenomatous polyposis 1 (FAP1). Also called: POLYPOSIS, ADENOMATOUS INTESTINAL; FAMILIAL ADENOMATOUS POLYPOSIS 1, ATTENUATED. Identifiers: MedGen C2713442, MONDO:0021056, OMIM 175100. Disease mechanism: loss of function.

Submission:

Labcorp Genetics (formerly Invitae), Labcorp
Classification: Uncertain significance for Familial adenomatous polyposis 1. Last evaluated: 2021-11-08. Review status: criteria provided, single submitter. Criteria: Invitae Variant Classification Sherloc (09022015). Collection method: clinical testing. Allele origin: germline.
Comment: This sequence change replaces serine, which is neutral and polar, with proline, which is neutral and non-polar, at codon 2359 of the APC protein (p.Ser2359Pro). This variant is not present in population databases (gnomAD no frequency). This variant has not been reported in the literature in individuals affected with APC-related conditions. Algorithms developed to predict the effect of missense changes on protein structure and function are either unavailable or do not agree on the potential impact of this missense change (SIFT: "Tolerated"; PolyPhen-2: "Probably Damaging"; Align-GVGD: "Class C0"). In summary, the available evidence is currently insufficient to determine the role of this variant in disease. Therefore, it has been classified as a Variant of Uncertain Significance.